The following is an entry in ClinVar:

ClinVar aggregate classification (germline): Likely benign. Review status: criteria provided, single submitter (1 of 4 stars). 2 submissions from 2 submitters: Likely benign (1). 1 of the submissions does not count toward it. Last evaluated 2023-11-17.

Conditions:
ABCC8-related disorder.

Allele frequency attached by ClinVar (database versions not stated): TOPMed below 0.00001; gnomAD exomes 0.00001.
gnomAD v4.1: 3 of 1,548,468 alleles (0.00019%); highest among the groups gnomAD compares: Admixed American, 0.0059%; no homozygotes.

Submissions (2):

Labcorp Genetics (formerly Invitae), Labcorp
Classification: Likely benign. Last evaluated: 2023-11-17. Review status: criteria provided, single submitter. Criteria: Invitae Variant Classification Sherloc (09022015). Collection method: clinical testing. Allele origin: germline.

PreventionGenetics, part of Exact Sciences
Classification: Likely benign for ABCC8-related condition. Last evaluated: 2023-05-31. Review status: no assertion criteria provided. Collection method: clinical testing. Allele origin: germline. Not counted in ClinVar's aggregate classification.
Comment: This variant is classified as likely benign based on ACMG/AMP sequence variant interpretation guidelines (Richards et al. 2015 PMID: 25741868, with internal and published modifications).

NM_000352.6(ABCC8):c.4307+8C>G

Gene: ABCC8 (ATP binding cassette subfamily C member 8; minus strand). Cytogenetic location: 11p15.1.
Variant type: single nucleotide variant.
Coding change: c.4307+8C>G on transcript NM_000352.6 (MANE Select); 8 bases into the intron after coding-DNA position 4307, C replaced by G.
Molecular consequence: intron variant.
Genome position (GRCh38, 1-based): chr11:17,395,602, G>C on the plus strand (C>G on the coding strand, the complement: ABCC8 is on the minus strand). VCF-style: chr11-17395602-G-C. GRCh37 (hg19) VCF-style: chr11-17417149-G-C.
Other names: c.4307+8C>G (NM_000352.4, NM_001351296.2); c.4304+8C>G (NM_001351297.2); c.4373+8C>G (NM_001351295.2); c.4310+8C>G (NM_001287174.3).
Identifiers: ClinVar variation 1102107 (VCV001102107.11), dbSNP rs1448472548, ClinGen allele CA597904405.
Genomic context (GRCh38, chr11:17,395,602, plus strand): 5'-TGTGCTCCAGATCTGATGGAACTGAGCCGGCCTGGGGCTGGGTGGGCCTGAGGGGTGGTG[G>C]GGCTCACCGGATGGTGCCGCTGAAGAGGACGGGGTCCTGCAGGATGATGGAGAGGCGTGA-3'